The following is an entry in ClinVar:

ClinVar aggregate classification (germline): Uncertain significance (1 of 4 stars; one submission).

Submission:

Quest Diagnostics Nichols Institute San Juan Capistrano
Classification: Uncertain significance. Last evaluated: 2024-07-02. Review status: criteria provided, single submitter. Criteria: Quest Diagnostics criteria. Collection method: clinical testing. Allele origin: unknown.
Comment: The DICER1 c.5383G>T (p.Asp1795Tyr) variant has not been reported in individuals with DICER1-related conditions in the published literature. It also has not been reported in large, multi-ethnic general populations (Genome Aggregation Database). Analysis of this variant using bioinformatics tools for the prediction of the effect of amino acid changes on protein structure and function yielded predictions that this variant is damaging. Based on the available information, we are unable to determine the clinical significance of this variant.

NM_177438.3(DICER1):c.5383G>T (p.Asp1795Tyr)

Gene: DICER1 (dicer 1, ribonuclease III; minus strand). Cytogenetic location: 14q32.13.
Variant type: single nucleotide variant.
Coding change: c.5383G>T on transcript NM_177438.3 (MANE Select); coding-DNA position 5383, G replaced by T.
Protein change: p.Asp1795Tyr; replaces aspartic acid 1795 with tyrosine.
Molecular consequence: missense variant. On other transcripts: non-coding transcript variant (6), intron variant (1).
Genome position (GRCh38, 1-based): chr14:95,091,347, C>A on the plus strand (G>T on the coding strand, the complement: DICER1 is on the minus strand). VCF-style: chr14-95091347-C-A. GRCh37 (hg19) VCF-style: chr14-95557684-C-A.
Other names: c.5383G>T, p.Asp1795Tyr (NM_001271282.3, NM_001291628.2, NM_001395677.1 and 7 more transcripts); c.5101G>T, p.Asp1701Tyr (NM_001395686.1); c.4978G>T, p.Asp1660Tyr (NM_001395687.1, NM_001395688.1, NM_001395689.1 and 1 more transcripts); c.4816G>T, p.Asp1606Tyr (NM_001395691.1); c.3700G>T, p.Asp1234Tyr (NM_001395697.1); c.5365-238G>T (NM_001195573.1); short protein forms D1234Y, D1606Y, D1660Y, D1701Y, D1795Y.
Identifiers: ClinVar variation 3572331 (VCV003572331.1).